The following is an entry in ClinVar:

ClinVar aggregate classification (germline): Likely pathogenic (1 of 4 stars; one submission).

Submission:

Labcorp Genetics (formerly Invitae), Labcorp
Classification: Likely pathogenic. Last evaluated: 2022-12-03. Review status: criteria provided, single submitter. Criteria: Invitae Variant Classification Sherloc (09022015). Collection method: clinical testing. Allele origin: germline.
Comment: This variant has not been reported in the literature in individuals affected with ACAN-related conditions. In summary, the currently available evidence indicates that the variant is pathogenic, but additional data are needed to prove that conclusively. Therefore, this variant has been classified as Likely Pathogenic. Algorithms developed to predict the effect of sequence changes on RNA splicing suggest that this variant may disrupt the consensus splice site. This variant is not present in population databases (gnomAD no frequency). This sequence change affects an acceptor splice site in intron 5 of the ACAN gene. It is expected to disrupt RNA splicing. Variants that disrupt the donor or acceptor splice site typically lead to a loss of protein function (PMID: 16199547), and loss-of-function variants in ACAN are known to be pathogenic (PMID: 16080123, 24762113).

Literature cited by the submitters: PubMed 16199547; PubMed 16080123; PubMed 24762113.

NM_001369268.1(ACAN):c.758-1G>A

Gene: ACAN (aggrecan; plus strand). Cytogenetic location: 15q26.1.
Variant type: single nucleotide variant.
Coding change: c.758-1G>A on transcript NM_001369268.1 (MANE Select); the canonical splice acceptor site of the intron before coding-DNA position 758, G replaced by A.
Molecular consequence: splice acceptor variant.
Genome position (GRCh38, 1-based): chr15:88,843,354, G>A. VCF-style: chr15-88843354-G-A. GRCh37 (hg19) VCF-style: chr15-89386585-G-A.
Other names: c.758-1G>A (NM_013227.4, NM_001411097.1, NM_001411096.1 and 1 more transcripts).
Identifiers: ClinVar variation 2815697 (VCV002815697.3), dbSNP rs2505250008, ClinGen allele CA393707213.